The following is an entry in ClinVar:

ClinVar aggregate classification (germline): Benign/Likely benign. Review status: criteria provided, multiple submitters, no conflicts (2 of 4 stars). 3 submissions from 3 submitters: Benign (1); Likely benign (2). Last evaluated 2025-05-11.

Conditions:
Hereditary cancer-predisposing syndrome. Also called: Hereditary neoplastic syndrome; Neoplastic Syndromes, Hereditary; Tumor predisposition; Hereditary Cancer Syndrome. Identifiers: Orphanet 140162, MedGen C0027672, MeSH D009386, MONDO:0015356.
Familial adenomatous polyposis 1 (FAP1). Also called: FAMILIAL ADENOMATOUS POLYPOSIS 1, ATTENUATED; POLYPOSIS, ADENOMATOUS INTESTINAL. Identifiers: MedGen C2713442, MONDO:0021056, OMIM 175100. Disease mechanism: loss of function.

gnomAD v4.1: 1 of 1,613,776 alleles (0.000062%); no homozygotes.

Submissions (3):

Ambry Genetics
Classification: Likely benign for Hereditary cancer-predisposing syndrome. Last evaluated: 2025-05-11. Review status: criteria provided, single submitter. Criteria: Ambry Variant Classification Scheme 2023. Collection method: clinical testing. Allele origin: germline.

Myriad Genetics, Inc.
Classification: Benign for Familial adenomatous polyposis 1. Last evaluated: 2024-03-06. Review status: criteria provided, single submitter. Criteria: Myriad Autosomal Dominant, Autosomal Recessive and X-Linked Classification Criteria (2023). Collection method: clinical testing. Allele origin: unknown.
Comment: This variant is considered benign. This variant is a silent/synonymous amino acid change and it is not expected to impact splicing.

Labcorp Genetics (formerly Invitae), Labcorp
Classification: Likely benign for Familial adenomatous polyposis 1. Last evaluated: 2024-01-24. Review status: criteria provided, single submitter. Criteria: Invitae Variant Classification Sherloc (09022015). Collection method: clinical testing. Allele origin: germline.

NM_000038.6(APC):c.1710A>G (p.Lys570=)

Gene: APC (APC regulator of Wnt signaling pathway; plus strand). Cytogenetic location: 5q22.2.
Variant type: single nucleotide variant.
Coding change: c.1710A>G on transcript NM_000038.6 (MANE Select); coding-DNA position 1710, A replaced by G.
Protein change: p.Lys570=; no amino-acid change (lysine 570 retained).
Molecular consequence: synonymous variant.
Genome position (GRCh38, 1-based): chr5:112,828,939, A>G. VCF-style: chr5-112828939-A-G. GRCh37 (hg19) VCF-style: chr5-112164636-A-G.
Other names: c.1710A>G, p.Lys570= (NM_001127510.3, NM_001354895.2, NM_001407450.1); c.1656A>G, p.Lys552= (NM_001127511.3); c.1764A>G, p.Lys588= (NM_001354896.2, NM_001407447.1, NM_001407448.1 and 1 more transcripts); c.1740A>G, p.Lys580= (NM_001354897.2); c.1635A>G, p.Lys545= (NM_001354898.2); c.1626A>G, p.Lys542= (NM_001354899.2); c.1587A>G, p.Lys529= (NM_001354900.2); c.1533A>G, p.Lys511= (NM_001354901.2, NM_001407453.1); and 12 more.
Identifiers: ClinVar variation 2785568 (VCV002785568.5), dbSNP rs1182822563, ClinGen allele CA445757420.